The following is an entry in ClinVar:

ClinVar aggregate classification (germline): Benign/Likely benign. Review status: criteria provided, multiple submitters, no conflicts (2 of 4 stars). 3 submissions from 3 submitters: Benign (1); Likely benign (2). Last evaluated 2025-03-03.

Conditions:
Idiopathic basal ganglia calcification 1 (PFBC1A). Also called: Cerebral calcification nonarteriosclerotic idiopathic adult-onset; Striopallidodentate calcinosis autosomal dominant adult-onset; Ferrocalcinosis, cerebrovascular; Fahr disease, familial (formerly); PRIMARY FAMILIAL BRAIN CALCIFICATION 1A, AUTOSOMAL DOMINANT; Familial Idiopathic Basal Ganglia Calcification 3. Identifiers: Orphanet 1980, MedGen C4551624, MONDO:0024538, OMIM 213600.

Allele frequency attached by ClinVar (database versions not stated): ESP Exome Variant Server 0.00008; ExAC 0.00015; gnomAD exomes 0.00021 and 0.00015; 1000 Genomes Project 0.00060; gnomAD 0.00011 and 0.00010; 1000 Genomes Project 30x 0.00047; TOPMed 0.00020.
gnomAD v4.1: 337 of 1,553,664 alleles (0.022%); highest among the groups gnomAD compares: Middle Eastern, 0.14%; no homozygotes.

Submissions (3):

Labcorp Genetics (formerly Invitae), Labcorp
Classification: Likely benign. Last evaluated: 2025-03-03. Review status: criteria provided, single submitter. Criteria: Invitae Variant Classification Sherloc (09022015). Collection method: clinical testing. Allele origin: germline.

Blueprint Genetics
Classification: Likely benign. Last evaluated: 2024-11-19. Review status: criteria provided, single submitter. Criteria: ACMG Guidelines, 2015. Collection method: clinical testing. Allele origin: germline.

Illumina Laboratory Services, Illumina
Classification: Benign for Idiopathic basal ganglia calcification 1. Last evaluated: 2018-03-20. Review status: criteria provided, single submitter. Criteria: ICSL Variant Classification Criteria 13 December 2019. Collection method: clinical testing. Allele origin: germline.
Comment: This variant was observed in the ICSL laboratory as part of a predisposition screen in an ostensibly healthy population. It had not been previously curated by ICSL or reported in the Human Gene Mutation Database (HGMD: prior to June 1st, 2018), and was therefore a candidate for classification through an automated scoring system. Utilizing variant allele frequency, disease prevalence and penetrance estimates, and inheritance mode, an automated score was calculated to assess if this variant is too frequent to cause the disease. Based on the score and internal cut-off values, a variant classified as benign is not then subjected to further curation. The score for this variant resulted in a classification of benign for this disease.

NM_001257180.2(SLC20A2):c.935-12A>C

Gene: SLC20A2 (solute carrier family 20 member 2; minus strand). Cytogenetic location: 8p11.21.
Variant type: single nucleotide variant.
Coding change: c.935-12A>C on transcript NM_001257180.2 (MANE Select); 12 bases into the intron before coding-DNA position 935, A replaced by C.
Molecular consequence: intron variant.
Genome position (GRCh38, 1-based): chr8:42,437,589, T>G on the plus strand (A>C on the coding strand, the complement: SLC20A2 is on the minus strand). VCF-style: chr8-42437589-T-G. GRCh37 (hg19) VCF-style: chr8-42295107-T-G.
Other names: c.935-12A>C (NM_006749.5, NM_001257181.2).
Identifiers: ClinVar variation 911476 (VCV000911476.12), dbSNP rs144236532, ClinGen allele CA4733410.